The following is an entry in ClinVar:

ClinVar aggregate classification (germline): Likely benign. Review status: criteria provided, multiple submitters, no conflicts (2 of 4 stars). 2 submissions from 2 submitters: Likely benign (2). Last evaluated 2025-03-10.

Conditions:
Quebec platelet disorder (QPD). Also called: BLEEDING DISORDER, PLATELET-TYPE, 5; FACTOR V QUEBEC. Identifiers: Orphanet 220436, MedGen C1866423, MONDO:0011136, OMIM 601709.

Allele frequency attached by ClinVar (database versions not stated): ESP Exome Variant Server 0.00008; ExAC 0.00007; TOPMed 0.00010; gnomAD 0.00013 and 0.00014.
gnomAD v4.1: 206 of 1,613,262 alleles (0.013%); highest among the groups gnomAD compares: Non-Finnish European, 0.016%; no homozygotes.

Submissions (2):

Women's Health and Genetics/Laboratory Corporation of America, LabCorp
Classification: Likely benign. Last evaluated: 2025-03-10. Review status: criteria provided, single submitter. Criteria: LabCorp Variant Classification Summary - May 2015. Collection method: clinical testing. Allele origin: germline.

Illumina Laboratory Services, Illumina
Classification: Likely benign for Quebec platelet disorder. Last evaluated: 2018-01-13. Review status: criteria provided, single submitter. Criteria: ICSL Variant Classification Criteria 13 December 2019. Collection method: clinical testing. Allele origin: germline.
Comment: This variant was observed in the ICSL laboratory as part of a predisposition screen in an ostensibly healthy population. It had not been previously curated by ICSL or reported in the Human Gene Mutation Database (HGMD: prior to June 1st, 2018), and was therefore a candidate for classification through an automated scoring system. Utilizing variant allele frequency, disease prevalence and penetrance estimates, and inheritance mode, an automated score was calculated to assess if this variant is too frequent to cause the disease. Based on the score and internal cut-off values, a variant classified as likely benign is not then subjected to further curation. The score for this variant resulted in a classification of likely benign for this disease.

NM_002658.6(PLAU):c.453C>T (p.Cys151=)

Genes: C10orf55 (chromosome 10 putative open reading frame 55; minus strand), PLAU (plasminogen activator, urokinase; plus strand), LOC126860960 (BRD4-independent group 4 enhancer GRCh37_chr10:75672789-75673988; plus strand). Cytogenetic location: 10q22.2.
Variant type: single nucleotide variant.
Coding change: c.453C>T on transcript NM_002658.6 (MANE Select); coding-DNA position 453, C replaced by T.
Protein change: p.Cys151=; no amino-acid change (cysteine 151 retained).
Molecular consequence: synonymous variant.
Genome position (GRCh38, 1-based): chr10:73,913,374, C>T. VCF-style: chr10-73913374-C-T. GRCh37 (hg19) VCF-style: chr10-75673132-C-T.
Other names: c.402C>T, p.Cys134= (NM_001145031.3); c.195C>T, p.Cys65= (NM_001319191.2).
Identifiers: ClinVar variation 878608 (VCV000878608.5), dbSNP rs374267816, ClinGen allele CA5562426.